The following is an entry in ClinVar:

ClinVar aggregate classification (germline): Uncertain significance (1 of 4 stars; one submission).

Allele frequency attached by ClinVar (database versions not stated): gnomAD exomes below 0.00001.
gnomAD v4.1: 1 of 1,212,056 alleles (0.000083%); highest among the groups gnomAD compares: Admixed American, 0.0022%; no homozygotes.

Submission:

GeneDx
Classification: Uncertain significance. Last evaluated: 2023-08-23. Review status: criteria provided, single submitter. Criteria: GeneDx Variant Classification Process June 2021. Collection method: clinical testing. Allele origin: germline. Affected: yes.
Comment: Not observed at significant frequency in large population cohorts (gnomAD); In silico analysis supports that this missense variant does not alter protein structure/function; Has not been previously published as pathogenic or benign to our knowledge

NM_002025.4(AFF2):c.2473A>G (p.Lys825Glu)

Gene: AFF2 (ALF transcription elongation factor 2; plus strand). Cytogenetic location: Xq28.
Variant type: single nucleotide variant.
Coding change: c.2473A>G on transcript NM_002025.4 (MANE Select); coding-DNA position 2473, A replaced by G.
Protein change: p.Lys825Glu; replaces lysine 825 with glutamic acid.
Molecular consequence: missense variant.
Genome position (GRCh38, 1-based): chrX:148,956,518, A>G. VCF-style: chrX-148956518-A-G. GRCh37 (hg19) VCF-style: chrX-148038048-A-G.
Other names: c.2374A>G, p.Lys792Glu (NM_001169122.2); c.2443A>G, p.Lys815Glu (NM_001169123.2); c.2368A>G, p.Lys790Glu (NM_001169124.2); c.2356A>G, p.Lys786Glu (NM_001169125.2); c.1396A>G, p.Lys466Glu (NM_001170628.1); short protein forms K466E, K786E, K790E, K792E, K815E, K825E.
Identifiers: ClinVar variation 2577581 (VCV002577581.1), dbSNP rs1557287406, ClinGen allele CA414515478.